The following is an entry in ClinVar:

ClinVar aggregate classification (germline): Benign. Review status: criteria provided, multiple submitters, no conflicts (2 of 4 stars). 6 submissions from 6 submitters: Benign (6). Last evaluated 2026-07-01.

Allele frequency attached by ClinVar (database versions not stated): 1000 Genomes Project 0.00319; 1000 Genomes Project 30x 0.00344; ExAC 0.00700; gnomAD 0.00732 and 0.00753; gnomAD exomes 0.00736 and 0.01025; TOPMed 0.00799; ESP Exome Variant Server 0.00824.

Submissions (6):

CeGaT Center for Human Genetics Tuebingen
Classification: Benign. Last evaluated: 2026-07-01. Review status: criteria provided, single submitter. Criteria: CeGaT Center For Human Genetics Tuebingen Variant Classification Criteria Version 2. Collection method: clinical testing. Allele origin: germline. Affected: yes. Observed: 4 variant alleles.
Comment: SLITRK6: BP4, BP7, BS1, BS2

Labcorp Genetics (formerly Invitae), Labcorp
Classification: Benign. Last evaluated: 2026-01-30. Review status: criteria provided, single submitter. Criteria: Invitae Variant Classification Sherloc (09022015). Collection method: clinical testing. Allele origin: germline.

Athena Diagnostics
Classification: Benign. Last evaluated: 2019-06-05. Review status: criteria provided, single submitter. Criteria: Athena Diagnostics Criteria. Collection method: clinical testing. Allele origin: germline.

GeneDx
Classification: Benign. Last evaluated: 2018-05-17. Review status: criteria provided, single submitter. Criteria: GeneDx Variant Classification Process June 2021. Collection method: clinical testing. Allele origin: germline. Affected: yes.

Laboratory for Molecular Medicine, Mass General Brigham Personalized Medicine
Classification: Benign. Last evaluated: 2017-08-23. Review status: criteria provided, single submitter. Criteria: LMM Criteria. Collection method: clinical testing. Allele origin: germline. Observed: 6 variant alleles.
Comment: p.Lys640Lys in exon 2 of SLITRK6: This variant is not expected to have clinical significance because it does not alter an amino acid residue, is not located wit hin the splice consensus sequence, and has been identified in 1.05% (698/66648) of European chromosomes by the Exome Aggregation Consortium (ExAC; dbSNP rs17080144).

Breakthrough Genomics
Classification: Benign. Review status: criteria provided, single submitter. Criteria: ACMG Guidelines, 2015. Collection method: not provided. Allele origin: germline. Inheritance: Autosomal recessive inheritance. Affected: yes.

NM_032229.3(SLITRK6):c.1920A>G (p.Lys640=)

Gene: SLITRK6 (SLIT and NTRK like family member 6; minus strand). Cytogenetic location: 13q31.1.
Variant type: single nucleotide variant.
Coding change: c.1920A>G on transcript NM_032229.3 (MANE Select); coding-DNA position 1920, A replaced by G.
Protein change: p.Lys640=; no amino-acid change (lysine 640 retained).
Molecular consequence: synonymous variant.
Genome position (GRCh38, 1-based): chr13:85,794,589, T>C on the plus strand (A>G on the coding strand, the complement: SLITRK6 is on the minus strand). VCF-style: chr13-85794589-T-C. GRCh37 (hg19) VCF-style: chr13-86368724-T-C.
Identifiers: ClinVar variation 508590 (VCV000508590.47), dbSNP rs17080144, ClinGen allele CA7014993.